The following is an entry in ClinVar:

ClinVar aggregate classification (germline): Pathogenic (1 of 4 stars; one submission).

Conditions:
Cerebral cavernous malformation 3. Also called: Familial Cerebral Cavernous Malformation 3. Identifiers: Orphanet 221061, MedGen C1864040, MONDO:0011305, OMIM 603285.

Submission:

Labcorp Genetics (formerly Invitae), Labcorp
Classification: Pathogenic for Cerebral cavernous malformation 3. Last evaluated: 2025-11-15. Review status: criteria provided, single submitter. Criteria: Invitae Variant Classification Sherloc (09022015). Collection method: clinical testing. Allele origin: germline.
Comment: This sequence change creates a premature translational stop signal (p.Glu166Asnfs*3) in the PDCD10 gene. It is expected to result in an absent or disrupted protein product. Loss-of-function variants in PDCD10 are known to be pathogenic (PMID: 15543491, 18300272, 23801932). This variant is not present in population databases (gnomAD no frequency). This variant has not been reported in the literature in individuals affected with PDCD10-related conditions. For these reasons, this variant has been classified as Pathogenic.

Literature cited by the submitters: PubMed 15543491; PubMed 18300272; PubMed 23801932.

NM_007217.4(PDCD10):c.495del (p.Glu166fs)

Gene: PDCD10 (programmed cell death 10; minus strand). Cytogenetic location: 3q26.1.
Variant type: Deletion.
Coding change: c.495del on transcript NM_007217.4 (MANE Select); coding-DNA position 495, one base deleted (A; older notation c.495delA).
Protein change: p.Glu166fs; shifts the reading frame from glutamic acid 166.
Molecular consequence: frameshift variant.
Genome position (GRCh38, 1-based): chr3:167,687,296, T deleted on the plus strand (A on the coding strand, the reverse complement: PDCD10 is on the minus strand); the first of 3 consecutive T bases (chr3:167,687,296-167,687,298); deleting any one gives the same sequence. VCF-style (leftmost placement, unchanged base first): chr3-167687295-CT-C. GRCh37 (hg19) VCF-style: chr3-167405083-CT-C.
Other names: c.495del, p.Glu166fs (NM_001439202.1, NM_001439204.1, NM_001439205.1 and 2 more transcripts); short protein forms E166fs.
Identifiers: ClinVar variation 4731250 (VCV004731250.1).
Genomic context (GRCh38, chr3:167,687,295, plus strand): 5'-TGCCATCTTTAAAATACGTTTTCAGAGTATCACTGAAACTTTTGGAGTACTTTACAAATT[CT>C]TTCTTTTGGTGTTCAAGTGCCTACAGTCACAAAATATAATAAGAAATAAAGTACTAAATA-3'